The following is an entry in ClinVar:

NM_001042492.3(NF1):c.61C>G (p.Leu21Val)

Gene: NF1 (neurofibromin 1; plus strand). Cytogenetic location: 17q11.2.
Variant type: single nucleotide variant.
Coding change: c.61C>G on transcript NM_001042492.3 (MANE Select); coding-DNA position 61, C replaced by G.
Protein change: p.Leu21Val; replaces leucine 21 with valine.
Molecular consequence: missense variant.
Genome position (GRCh38, 1-based): chr17:31,155,983, C>G. VCF-style: chr17-31155983-C-G. GRCh37 (hg19) VCF-style: chr17-29483001-C-G.
Other names: c.61C>G, p.Leu21Val (NM_000267.4, NM_001128147.3); short protein forms L21V.
Identifiers: ClinVar variation 1009132 (VCV001009132.5), dbSNP rs779453629, ClinGen allele CA398988010.

ClinVar aggregate classification (germline): Uncertain significance (1 of 4 stars; one submission).

Conditions:
Neurofibromatosis, type 1 (NF1). Also called: VON RECKLINGHAUSEN DISEASE; Neurofibromatosis, type I; NEUROFIBROMATOSIS, TYPE I, SOMATIC; Peripheral type neurofibromatosis. Identifiers: Orphanet 636, MedGen C0027831, MONDO:0018975, OMIM 162200. Disease mechanism: loss of function.

Submission:

Labcorp Genetics (formerly Invitae), Labcorp
Classification: Uncertain significance for Neurofibromatosis, type 1. Last evaluated: 2020-10-19. Review status: criteria provided, single submitter. Criteria: Invitae Variant Classification Sherloc (09022015). Collection method: clinical testing. Allele origin: germline.
Comment: In summary, the available evidence is currently insufficient to determine the role of this variant in disease. Therefore, it has been classified as a Variant of Uncertain Significance. Algorithms developed to predict the effect of missense changes on protein structure and function are either unavailable or do not agree on the potential impact of this missense change (SIFT: "Deleterious"; PolyPhen-2: "Benign"; Align-GVGD: "Class C0"). This variant has been observed in individual(s) with clinical features of neurofibromatosis type 1 (PMID: 31573083). This variant is not present in population databases (ExAC no frequency). This sequence change replaces leucine with valine at codon 21 of the NF1 protein (p.Leu21Val). The leucine residue is highly conserved and there is a small physicochemical difference between leucine and valine.

Literature cited by the submitters: PubMed 31573083.